The following is an entry in ClinVar:

NM_001042492.3(NF1):c.4538A>G (p.Asn1513Ser)

Gene: NF1 (neurofibromin 1; plus strand). Cytogenetic location: 17q11.2.
Variant type: single nucleotide variant.
Coding change: c.4538A>G on transcript NM_001042492.3 (MANE Select); coding-DNA position 4538, A replaced by G.
Protein change: p.Asn1513Ser; replaces asparagine 1513 with serine.
Molecular consequence: missense variant.
Genome position (GRCh38, 1-based): chr17:31,260,476, A>G. VCF-style: chr17-31260476-A-G. GRCh37 (hg19) VCF-style: chr17-29587494-A-G.
Other names: c.4475A>G, p.Asn1492Ser (NM_000267.4); short protein forms N1513S, N1492S.
Identifiers: ClinVar variation 457703 (VCV000457703.5), dbSNP rs113205862, ClinGen allele CA289352887.

ClinVar aggregate classification (germline): Uncertain significance (1 of 4 stars; one submission).

Conditions:
Neurofibromatosis, type 1 (NF1). Also called: VON RECKLINGHAUSEN DISEASE; NEUROFIBROMATOSIS, TYPE I, SOMATIC; Peripheral type neurofibromatosis; Neurofibromatosis, type I. Identifiers: Orphanet 636, MedGen C0027831, MONDO:0018975, OMIM 162200. Disease mechanism: loss of function.

Submission:

Labcorp Genetics (formerly Invitae), Labcorp
Classification: Uncertain significance for Neurofibromatosis, type 1. Last evaluated: 2017-06-19. Review status: criteria provided, single submitter. Criteria: Invitae Variant Classification Sherloc (09022015). Collection method: clinical testing. Allele origin: germline.
Comment: This sequence change replaces asparagine with serine at codon 1492 of the NF1 protein (p.Asn1492Ser). The asparagine residue is moderately conserved and there is a small physicochemical difference between asparagine and serine. In summary, this variant has uncertain impact on NF1 function. The available evidence is currently insufficient to determine its role in disease. Therefore, it has been classified as a Variant of Uncertain Significance. Algorithms developed to predict the effect of missense changes on protein structure and function do not agree on the potential impact of this missense change (SIFT: "Tolerated"; PolyPhen-2: "Probably Damaging"; Align-GVGD: "Class C0"). This variant has not been reported in the literature in individuals with a NF1-related disease. This variant is not present in population databases (ExAC no frequency).